The following is an entry in ClinVar:

NM_001069.3(TUBB2A):c.166+9C>T

Gene: TUBB2A (tubulin beta 2A class IIa; minus strand). Cytogenetic location: 6p25.2.
Variant type: single nucleotide variant.
Coding change: c.166+9C>T on transcript NM_001069.3 (MANE Select); 9 bases into the intron after coding-DNA position 166, C replaced by T.
Molecular consequence: intron variant.
Genome position (GRCh38, 1-based): chr6:3,156,035, G>A on the plus strand (C>T on the coding strand, the complement: TUBB2A is on the minus strand). VCF-style: chr6-3156035-G-A. GRCh37 (hg19) VCF-style: chr6-3156269-G-A.
Other names: c.-222+9C>T (NM_001310315.2).
Identifiers: ClinVar variation 3045234 (VCV003045234.3), dbSNP rs557769147, ClinGen allele CA3619074.

ClinVar aggregate classification (germline): Likely benign. Review status: criteria provided, single submitter (1 of 4 stars). 2 submissions from 2 submitters: Likely benign (1). 1 of the submissions does not count toward it. Last evaluated 2024-05-03.

Conditions:
TUBB2A-related disorder. Also called: TUBB2A-related condition.

Allele frequency attached by ClinVar (database versions not stated): 1000 Genomes Project 30x 0.00016; 1000 Genomes Project 0.00020; ExAC 0.00014.

Submissions (2):

Blueprint Genetics
Classification: Likely benign. Last evaluated: 2024-05-03. Review status: criteria provided, single submitter. Criteria: ACMG Guidelines, 2015. Collection method: clinical testing. Allele origin: germline.

PreventionGenetics, part of Exact Sciences
Classification: Likely benign for TUBB2A-related condition. Last evaluated: 2019-02-22. Review status: no assertion criteria provided. Collection method: clinical testing. Allele origin: germline. Not counted in ClinVar's aggregate classification.
Comment: This variant is classified as likely benign based on ACMG/AMP sequence variant interpretation guidelines (Richards et al. 2015 PMID: 25741868, with internal and published modifications).